The following is an entry in ClinVar:

NM_001130987.2(DYSF):c.1806+182G>A

Gene: DYSF (dysferlin; plus strand). Cytogenetic location: 2p13.2.
Variant type: single nucleotide variant.
Coding change: c.1806+182G>A on transcript NM_001130987.2 (MANE Select); 182 bases into the intron after coding-DNA position 1806, G replaced by A.
Molecular consequence: intron variant.
Genome position (GRCh38, 1-based): chr2:71,551,902, G>A. VCF-style: chr2-71551902-G-A. GRCh37 (hg19) VCF-style: chr2-71779032-G-A.
Other names: c.1845+182G>A (NM_001130979.2); c.1803+182G>A (NM_001130981.2, NM_001130980.2); c.1752+182G>A (NM_001130978.2, NM_003494.4); c.1710+182G>A (NM_001130977.2, NM_001130976.2); c.1848+182G>A (NM_001130982.2); c.1806+182G>A (NM_001130985.2); c.1755+182G>A (NM_001130983.2, NM_001130455.2); c.1713+182G>A (NM_001130984.2, NM_001130986.2).
Identifiers: ClinVar variation 679421 (VCV000679421.1), dbSNP rs7582130, ClinGen allele CA11252154.

ClinVar aggregate classification (germline): Benign (1 of 4 stars; one submission).

Allele frequency attached by ClinVar (database versions not stated): 1000 Genomes Project 0.46146; 1000 Genomes Project 30x 0.46362; TOPMed 0.58470; gnomAD 0.58983 and 0.60050.
gnomAD v4.1: 89,874 of 152,096 alleles (59%); highest among the groups gnomAD compares: Non-Finnish European, 66%; 27,469 homozygotes.

Submission:

GeneDx
Classification: Benign. Last evaluated: 2018-06-14. Review status: criteria provided, single submitter. Criteria: GeneDx Variant Classification (06012015). Collection method: clinical testing. Allele origin: germline. Affected: yes.
Comment: This variant is considered likely benign or benign based on one or more of the following criteria: it is a conservative change, it occurs at a poorly conserved position in the protein, it is predicted to be benign by multiple in silico algorithms, and/or has population frequency not consistent with disease.